The following is an entry in ClinVar:

NM_016169.4(SUFU):c.295T>C (p.Tyr99His)

Gene: SUFU (SUFU negative regulator of hedgehog signaling; plus strand). Cytogenetic location: 10q24.32.
Variant type: single nucleotide variant.
Coding change: c.295T>C on transcript NM_016169.4 (MANE Select); coding-DNA position 295, T replaced by C.
Protein change: p.Tyr99His; replaces tyrosine 99 with histidine.
Molecular consequence: missense variant.
Genome position (GRCh38, 1-based): chr10:102,509,281, T>C. VCF-style: chr10-102509281-T-C. GRCh37 (hg19) VCF-style: chr10-104269038-T-C.
Other names: c.295T>C, p.Tyr99His (NM_001178133.2); c.295T>C (NM_016169.3); short protein forms Y99H.
Identifiers: ClinVar variation 1021705 (VCV001021705.10), dbSNP rs2062370032, ClinGen allele CA377889124.

ClinVar aggregate classification (germline): Uncertain significance. Review status: criteria provided, multiple submitters, no conflicts (2 of 4 stars). 2 submissions from 2 submitters: Uncertain significance (2). Last evaluated 2026-07-06.

Conditions:
Gorlin syndrome. Also called: Nevoid Basal Cell Carcinoma Syndrome; Basal cell nevus syndrome. Identifiers: Orphanet 377, MedGen C0004779, MONDO:0007187.
Medulloblastoma (MDB). Also called: MEDULLOBLASTOMA PREDISPOSITION SYNDROME; Medulloblastoma, somatic. Identifiers: Orphanet 616, MedGen C0025149, MeSH D008527, MONDO:0007959, OMIM 155255, HP:0002885.
Hereditary cancer-predisposing syndrome. Also called: Tumor predisposition; Hereditary Cancer Syndrome; Hereditary neoplastic syndrome; Neoplastic Syndromes, Hereditary. Identifiers: Orphanet 140162, MedGen C0027672, MeSH D009386, MONDO:0015356.

Submissions (2):

Ambry Genetics
Classification: Uncertain significance for Hereditary cancer-predisposing syndrome. Last evaluated: 2026-07-06. Review status: criteria provided, single submitter. Criteria: Ambry Variant Classification Scheme 2023. Collection method: clinical testing. Allele origin: germline.
Comment: The p.Y99H variant (also known as c.295T>C), located in coding exon 2 of the SUFU gene, results from a T to C substitution at nucleotide position 295. The tyrosine at codon 99 is replaced by histidine, an amino acid with similar properties. This amino acid position is conserved. In addition, this alteration is predicted to be deleterious by in silico analysis. Based on the available evidence, the clinical significance of this variant remains unclear.

Labcorp Genetics (formerly Invitae), Labcorp
Classification: Uncertain significance for Gorlin syndrome; Medulloblastoma. Last evaluated: 2020-10-29. Review status: criteria provided, single submitter. Criteria: Invitae Variant Classification Sherloc (09022015). Collection method: clinical testing. Allele origin: germline.
Comment: In summary, the available evidence is currently insufficient to determine the role of this variant in disease. Therefore, it has been classified as a Variant of Uncertain Significance. Algorithms developed to predict the effect of missense changes on protein structure and function (SIFT, PolyPhen-2, Align-GVGD) all suggest that this variant is likely to be tolerated, but these predictions have not been confirmed by published functional studies and their clinical significance is uncertain. This variant has not been reported in the literature in individuals with SUFU-related conditions. This variant is not present in population databases (ExAC no frequency). This sequence change replaces tyrosine with histidine at codon 99 of the SUFU protein (p.Tyr99His). The tyrosine residue is highly conserved and there is a moderate physicochemical difference between tyrosine and histidine.